The following is an entry in ClinVar:

NM_016284.5(CNOT1):c.3152C>A (p.Thr1051Lys)

Gene: CNOT1 (CCR4-NOT transcription complex subunit 1; minus strand). Cytogenetic location: 16q21.
Variant type: single nucleotide variant.
Coding change: c.3152C>A on transcript NM_016284.5 (MANE Select); coding-DNA position 3152, C replaced by A.
Protein change: p.Thr1051Lys; replaces threonine 1051 with lysine.
Molecular consequence: missense variant. On other transcripts: non-coding transcript variant (1).
Genome position (GRCh38, 1-based): chr16:58,551,638, G>T on the plus strand (C>A on the coding strand, the complement: CNOT1 is on the minus strand). VCF-style: chr16-58551638-G-T. GRCh37 (hg19) VCF-style: chr16-58585542-G-T.
Other names: c.3137C>A, p.Thr1046Lys (NM_001265612.2); c.3152C>A, p.Thr1051Lys (NM_206999.3); short protein forms T1046K, T1051K.
Identifiers: ClinVar variation 3603150 (VCV003603150.1).

ClinVar aggregate classification (germline): Uncertain significance (1 of 4 stars; one submission).

gnomAD v4.1: 1 of 1,614,184 alleles (0.000062%); highest among the groups gnomAD compares: Non-Finnish European, 0.000085%; no homozygotes.

Submission:

GeneDx
Classification: Uncertain significance. Last evaluated: 2024-08-08. Review status: criteria provided, single submitter. Criteria: GeneDx Variant Classification Process June 2021. Collection method: clinical testing. Allele origin: germline. Affected: yes.
Comment: Not observed at significant frequency in large population cohorts (gnomAD); In silico analysis indicates that this missense variant does not alter protein structure/function; Has not been previously published as pathogenic or benign to our knowledge